The following is an entry in ClinVar:

ClinVar aggregate classification (germline): Uncertain significance (1 of 4 stars; one submission).

Submission:

Labcorp Genetics (formerly Invitae), Labcorp
Classification: Uncertain significance. Last evaluated: 2024-01-02. Review status: criteria provided, single submitter. Criteria: Invitae Variant Classification Sherloc (09022015). Collection method: clinical testing. Allele origin: germline.
Comment: This sequence change falls in intron 7 of the AP2M1 gene. It does not directly change the encoded amino acid sequence of the AP2M1 protein. Information on the frequency of this variant in the gnomAD database is not available, as this variant may be reported differently in the database. This variant has not been reported in the literature in individuals affected with AP2M1-related conditions. Experimental studies and prediction algorithms are not available or were not evaluated, and the effect of this variant on mRNA splicing is currently unknown. In summary, the available evidence is currently insufficient to determine the role of this variant in disease. Therefore, it has been classified as a Variant of Uncertain Significance.

NM_004068.4(AP2M1):c.707+14_707+15delinsCT

Gene: AP2M1 (adaptor related protein complex 2 subunit mu 1; plus strand). Cytogenetic location: 3q27.1.
Variant type: Indel.
Coding change: c.707+14_707+15delinsCT on transcript NM_004068.4 (MANE Select); bases 14 to 15 of the intron after coding-DNA position 707, GA replaced by CT.
Molecular consequence: intron variant.
Genome position (GRCh38, 1-based): chr3:184,181,240-184,181,241, GA replaced by CT. VCF-style: chr3-184181240-GA-CT. GRCh37 (hg19) VCF-style: chr3-183899028-GA-CT.
Other names: c.782+14_782+15delinsCT (NM_001311198.2); c.701+14_701+15delinsCT (NM_001025205.2).
Identifiers: ClinVar variation 2765691 (VCV002765691.3), dbSNP rs2473724158, ClinGen allele CA2697557012.